The following is an entry in ClinVar:

ClinVar aggregate classification (germline): Uncertain significance (1 of 4 stars; one submission).

Submission:

GeneDx
Classification: Uncertain significance. Last evaluated: 2015-11-24. Review status: criteria provided, single submitter. Criteria: GeneDx Variant Classification (06012015). Collection method: clinical testing. Allele origin: germline. Affected: yes.
Comment: The K162R variant has not been published as a pathogenic variant, nor has it been reported as a benign variant to our knowledge. It was not observed in approximately 6,500 individuals of European and African American ancestry in the NHLBI Exome Sequencing Project, indicating it is not a common benign variant in these populations. In silico analysis predicts this variant is probably damaging to the protein structure/function.This substitution occurs at a position that is conserved across species; however, Arginine is observed at this position in a distantly related species. The K162R variant is a conservative amino acid substitution, which is not likely to impact secondary protein structure as these residues share similar properties. Therefore, based on the currently available information, it is unclear whether this variant is a pathogenic variant or a rare benign variant.

NM_181882.3(PRX):c.485A>G (p.Lys162Arg)

Gene: PRX (periaxin; minus strand). Cytogenetic location: 19q13.2.
Variant type: single nucleotide variant.
Coding change: c.485A>G on transcript NM_181882.3 (MANE Select); coding-DNA position 485, A replaced by G.
Protein change: p.Lys162Arg; replaces lysine 162 with arginine.
Molecular consequence: missense variant. On other transcripts: 3 prime UTR variant (1).
Genome position (GRCh38, 1-based): chr19:40,397,867, T>C on the plus strand (A>G on the coding strand, the complement: PRX is on the minus strand). VCF-style: chr19-40397867-T-C. GRCh37 (hg19) VCF-style: chr19-40903774-T-C.
Other names: c.*690A>G (NM_020956.2); short protein forms K162R.
Identifiers: ClinVar variation 246061 (VCV000246061.2), dbSNP rs879254072, ClinGen allele CA10584612.